The following is an entry in ClinVar:

NM_000059.4(BRCA2):c.7106A>G (p.Glu2369Gly)

Gene: BRCA2 (BRCA2 DNA repair associated; plus strand). Cytogenetic location: 13q13.1.
Variant type: single nucleotide variant.
Coding change: c.7106A>G on transcript NM_000059.4 (MANE Select); coding-DNA position 7106, A replaced by G.
Protein change: p.Glu2369Gly; replaces glutamic acid 2369 with glycine.
Molecular consequence: missense variant.
Genome position (GRCh38, 1-based): chr13:32,354,959, A>G. VCF-style: chr13-32354959-A-G. GRCh37 (hg19) VCF-style: chr13-32929096-A-G.
Other names: short protein forms E2369G.
Identifiers: ClinVar variation 462430 (VCV000462430.14), dbSNP rs1555286006, ClinGen allele CA387738599.

ClinVar aggregate classification (germline): Uncertain significance. Review status: criteria provided, multiple submitters, no conflicts (2 of 4 stars). 3 submissions from 3 submitters: Uncertain significance (3). Last evaluated 2025-06-10.

Conditions:
Hereditary breast ovarian cancer syndrome. Also called: Hereditary breast and ovarian cancer syndrome (HBOC); Hereditary breast and ovarian cancer syndrome; Breast and ovarian cancer; Hereditary breast and/or ovarian cancer syndrome; Hereditary breast and ovarian cancer; BRCA1- and BRCA2-Associated Hereditary Breast and Ovarian Cancer. Identifiers: Orphanet 145, MedGen C0677776, MeSH D061325, MONDO:0003582. Disease mechanism: loss of function.
BRCA2-related cancer predisposition. Identifiers: MedGen CN377758, MONDO:0700269.
Hereditary cancer-predisposing syndrome. Also called: Neoplastic Syndromes, Hereditary; Hereditary Cancer Syndrome; Hereditary neoplastic syndrome; Tumor predisposition. Identifiers: Orphanet 140162, MedGen C0027672, MeSH D009386, MONDO:0015356.

Allele frequency attached by ClinVar (database versions not stated): gnomAD exomes below 0.00001.
gnomAD v4.1: 1 of 1,613,674 alleles (0.000062%); highest among the groups gnomAD compares: Non-Finnish European, 0.000085%; no homozygotes.

Submissions (3):

Labcorp Genetics (formerly Invitae), Labcorp
Classification: Uncertain significance for Hereditary breast ovarian cancer syndrome. Last evaluated: 2025-06-10. Review status: criteria provided, single submitter. Criteria: Invitae Variant Classification Sherloc (09022015). Collection method: clinical testing. Allele origin: germline.
Comment: This sequence change replaces glutamic acid, which is acidic and polar, with glycine, which is neutral and non-polar, at codon 2369 of the BRCA2 protein (p.Glu2369Gly). This variant is not present in population databases (gnomAD no frequency). This variant has not been reported in the literature in individuals affected with BRCA2-related conditions. ClinVar contains an entry for this variant (Variation ID: 462430). Invitae Evidence Modeling of protein sequence and biophysical properties (such as structural, functional, and spatial information, amino acid conservation, physicochemical variation, residue mobility, and thermodynamic stability) indicates that this missense variant is not expected to disrupt BRCA2 protein function with a negative predictive value of 95%. In summary, the available evidence is currently insufficient to determine the role of this variant in disease. Therefore, it has been classified as a Variant of Uncertain Significance.

All of Us Research Program, National Institutes of Health
Classification: Uncertain significance for BRCA2-related cancer predisposition. Last evaluated: 2024-09-23. Review status: criteria provided, single submitter. Criteria: ACMG Guidelines, 2015. Collection method: clinical testing. Allele origin: germline. Inheritance: Autosomal dominant inheritance. Observed: 1 variant allele, 1 heterozygote.
Comment: This study involves interpretation of variants in research participants for the purpose of population health screening. Participant phenotype was not available at the time of variant classification. Additional details can be found in publication PMID: 35346344, PMCID: PMC8962531

Ambry Genetics
Classification: Uncertain significance for Hereditary cancer-predisposing syndrome. Last evaluated: 2020-12-03. Review status: criteria provided, single submitter. Criteria: Ambry Variant Classification Scheme 2023. Collection method: clinical testing. Allele origin: germline.
Comment: The p.E2369G variant (also known as c.7106A>G), located in coding exon 13 of the BRCA2 gene, results from an A to G substitution at nucleotide position 7106. The glutamic acid at codon 2369 is replaced by glycine, an amino acid with similar properties. This amino acid position is not well conserved in available vertebrate species. In addition, this alteration is predicted to be tolerated by in silico analysis. Since supporting evidence is limited at this time, the clinical significance of this alteration remains unclear.